The following is an entry in ClinVar:

ClinVar aggregate classification (germline): Uncertain significance (1 of 4 stars; one submission).

Conditions:
Myopathy, proximal, and ophthalmoplegia (CMYO6). Also called: INCLUSION BODY MYOPATHY 3, AUTOSOMAL DOMINANT; MYOPATHY WITH CONGENITAL JOINT CONTRACTURES, OPHTHALMOPLEGIA, AND RIMMED VACUOLES; CONGENITAL MYOPATHY 6 WITH OPHTHALMOPLEGIA. Identifiers: Orphanet 363677, Orphanet 79091, MedGen C1854106, MONDO:0011577, OMIM 605637.

Submission:

Labcorp Genetics (formerly Invitae), Labcorp
Classification: Uncertain significance for Myopathy, proximal, and ophthalmoplegia. Last evaluated: 2019-12-14. Review status: criteria provided, single submitter. Criteria: Invitae Variant Classification Sherloc (09022015). Collection method: clinical testing. Allele origin: germline.
Comment: In summary, the available evidence is currently insufficient to determine the role of this variant in disease. Therefore, it has been classified as a Variant of Uncertain Significance. Algorithms developed to predict the effect of missense changes on protein structure and function (SIFT, PolyPhen-2, Align-GVGD) all suggest that this variant is likely to be disruptive, but these predictions have not been confirmed by published functional studies and their clinical significance is uncertain. This variant has not been reported in the literature in individuals with MYH2-related conditions. This variant is not present in population databases (ExAC no frequency). This sequence change replaces alanine with glutamic acid at codon 1195 of the MYH2 protein (p.Ala1195Glu). The alanine residue is highly conserved and there is a moderate physicochemical difference between alanine and glutamic acid.

NM_017534.6(MYH2):c.3584C>A (p.Ala1195Glu)

Genes: MYHAS (myosin heavy chain gene cluster antisense RNA; plus strand), MYH2 (myosin heavy chain 2; minus strand). Cytogenetic location: 17p13.1.
Variant type: single nucleotide variant.
Coding change: c.3584C>A on transcript NM_017534.6 (MANE Select); coding-DNA position 3584, C replaced by A.
Protein change: p.Ala1195Glu; replaces alanine 1195 with glutamic acid.
Molecular consequence: missense variant.
Genome position (GRCh38, 1-based): chr17:10,528,850, G>T on the plus strand (C>A on the coding strand, the complement: MYH2 is on the minus strand). VCF-style: chr17-10528850-G-T. GRCh37 (hg19) VCF-style: chr17-10432167-G-T.
Other names: c.3584C>A, p.Ala1195Glu (NM_001100112.2); short protein forms A1195E.
Identifiers: ClinVar variation 860356 (VCV000860356.12), dbSNP rs373108053, ClinGen allele CA398133067.